The following is an entry in ClinVar:

NM_001378964.1(CDON):c.2278C>T (p.Arg760Trp)

Gene: CDON (cell adhesion associated, oncogene regulated; minus strand). Cytogenetic location: 11q24.2.
Variant type: single nucleotide variant.
Coding change: c.2278C>T on transcript NM_001378964.1 (MANE Select); coding-DNA position 2278, C replaced by T.
Protein change: p.Arg760Trp; replaces arginine 760 with tryptophan.
Molecular consequence: missense variant.
Genome position (GRCh38, 1-based): chr11:125,997,291, G>A on the plus strand (C>T on the coding strand, the complement: CDON is on the minus strand). VCF-style: chr11-125997291-G-A. GRCh37 (hg19) VCF-style: chr11-125867186-G-A.
Other names: c.2278C>T, p.Arg760Trp (NM_001243597.3, NM_016952.6); short protein forms R760W.
Identifiers: ClinVar variation 2048013 (VCV002048013.5), dbSNP rs551721918, ClinGen allele CA6351791.

ClinVar aggregate classification (germline): Uncertain significance. Review status: criteria provided, multiple submitters, no conflicts (2 of 4 stars). 2 submissions from 2 submitters: Uncertain significance (2). Last evaluated 2022-06-22.

Conditions:
Holoprosencephaly 11 (HPE11). Identifiers: Orphanet 2162, MedGen C3280215, MONDO:0013642, OMIM 614226.
Inborn genetic diseases. Identifiers: MedGen C0950123, MeSH D030342.

Allele frequency attached by ClinVar (database versions not stated): 1000 Genomes Project 30x 0.00016; ExAC 0.00002; gnomAD 0.00001; gnomAD exomes 0.00001; 1000 Genomes Project 0.00020.
gnomAD v4.1: 20 of 1,614,016 alleles (0.0012%); highest among the groups gnomAD compares: Admixed American, 0.005%; no homozygotes.

Submissions (2):

Labcorp Genetics (formerly Invitae), Labcorp
Classification: Uncertain significance for Holoprosencephaly 11. Last evaluated: 2022-06-22. Review status: criteria provided, single submitter. Criteria: Invitae Variant Classification Sherloc (09022015). Collection method: clinical testing. Allele origin: germline.
Comment: Algorithms developed to predict the effect of missense changes on protein structure and function (SIFT, PolyPhen-2, Align-GVGD) all suggest that this variant is likely to be disruptive. This variant has not been reported in the literature in individuals affected with CDON-related conditions. This variant is present in population databases (rs551721918, gnomAD 0.009%). This sequence change replaces arginine, which is basic and polar, with tryptophan, which is neutral and slightly polar, at codon 760 of the CDON protein (p.Arg760Trp). In summary, the available evidence is currently insufficient to determine the role of this variant in disease. Therefore, it has been classified as a Variant of Uncertain Significance.

Ambry Genetics
Classification: Uncertain significance for Inborn genetic diseases. Last evaluated: 2021-08-12. Review status: criteria provided, single submitter. Criteria: Ambry Variant Classification Scheme 2023. Collection method: clinical testing. Allele origin: germline.